The following is an entry in ClinVar:

ClinVar aggregate classification (germline): Uncertain significance. Review status: criteria provided, multiple submitters, no conflicts (2 of 4 stars). 2 submissions from 2 submitters: Uncertain significance (2). Last evaluated 2025-11-25.

Conditions:
DICER1-related tumor predisposition. Also called: DICER1 syndrome; DICER1-related pleuropulmonary blastoma cancer predisposition syndrome. Identifiers: Orphanet 284343, MedGen C3839822, MONDO:0100216.
Hereditary cancer-predisposing syndrome. Also called: Neoplastic Syndromes, Hereditary; Hereditary neoplastic syndrome; Tumor predisposition; Hereditary Cancer Syndrome. Identifiers: Orphanet 140162, MedGen C0027672, MeSH D009386, MONDO:0015356.

Allele frequency attached by ClinVar (database versions not stated): gnomAD exomes below 0.00001; TOPMed below 0.00001.
gnomAD v4.1: 3 of 1,614,198 alleles (0.00019%); highest among the groups gnomAD compares: Admixed American, 0.0017%; no homozygotes.

Submissions (2):

Labcorp Genetics (formerly Invitae), Labcorp
Classification: Uncertain significance for DICER1-related tumor predisposition. Last evaluated: 2025-11-25. Review status: criteria provided, single submitter. Criteria: Invitae Variant Classification Sherloc (09022015). Collection method: clinical testing. Allele origin: germline.
Comment: This sequence change replaces isoleucine, which is neutral and non-polar, with methionine, which is neutral and non-polar, at codon 1663 of the DICER1 protein (p.Ile1663Met). This variant is present in population databases (no rsID available, gnomAD 0.003%). This variant has not been reported in the literature in individuals affected with DICER1-related conditions. ClinVar contains an entry for this variant (Variation ID: 842723). Invitae Evidence Modeling of protein sequence and biophysical properties (such as structural, functional, and spatial information, amino acid conservation, physicochemical variation, residue mobility, and thermodynamic stability) indicates that this missense variant is not expected to disrupt DICER1 protein function with a negative predictive value of 95%. In summary, the available evidence is currently insufficient to determine the role of this variant in disease. Therefore, it has been classified as a Variant of Uncertain Significance.

Ambry Genetics
Classification: Uncertain significance for Hereditary cancer-predisposing syndrome. Last evaluated: 2025-06-24. Review status: criteria provided, single submitter. Criteria: Ambry Variant Classification Scheme 2023. Collection method: clinical testing. Allele origin: germline.
Comment: The p.I1663M variant (also known as c.4989A>G), located in coding exon 22 of the DICER1 gene, results from an A to G substitution at nucleotide position 4989. The isoleucine at codon 1663 is replaced by methionine, an amino acid with highly similar properties. This amino acid position is highly conserved in available vertebrate species. In addition, the in silico prediction for this alteration is inconclusive. Since supporting evidence is limited at this time, the clinical significance of this alteration remains unclear.

NM_177438.3(DICER1):c.4989A>G (p.Ile1663Met)

Gene: DICER1 (dicer 1, ribonuclease III; minus strand). Cytogenetic location: 14q32.13.
Variant type: single nucleotide variant.
Coding change: c.4989A>G on transcript NM_177438.3 (MANE Select); coding-DNA position 4989, A replaced by G.
Protein change: p.Ile1663Met; replaces isoleucine 1663 with methionine.
Molecular consequence: missense variant.
Genome position (GRCh38, 1-based): chr14:95,095,931, T>C on the plus strand (A>G on the coding strand, the complement: DICER1 is on the minus strand). VCF-style: chr14-95095931-T-C. GRCh37 (hg19) VCF-style: chr14-95562268-T-C.
Other names: c.4989A>G, p.Ile1663Met (NM_001195573.1, NM_001271282.3, NM_001291628.2 and 1 more transcripts); short protein forms I1663M.
Identifiers: ClinVar variation 842723 (VCV000842723.14), dbSNP rs1253443798, ClinGen allele CA390866156.